The following is an entry in ClinVar:

ClinVar aggregate classification (germline): Pathogenic (1 of 4 stars; one submission).

Submission:

Labcorp Genetics (formerly Invitae), Labcorp
Classification: Pathogenic. Last evaluated: 2022-02-22. Review status: criteria provided, single submitter. Criteria: Invitae Variant Classification Sherloc (09022015). Collection method: clinical testing. Allele origin: germline.
Comment: For these reasons, this variant has been classified as Pathogenic. This variant has not been reported in the literature in individuals affected with ESCO2-related conditions. This variant is a gross deletion of the genomic region encompassing exon(s) 6-9 of the ESCO2 gene. This deletion is out-of-frame, and is expected to create a premature termination codon and result in an absent or disrupted protein product. Loss-of-function variants in ESCO2 are known to be pathogenic (PMID: 15821733, 16380922).

Literature cited by the submitters: PubMed 15821733; PubMed 16380922.

NC_000008.10:g.(?_27645392)_(27650338_?)del

Gene: ESCO2 (establishment of sister chromatid cohesion N-acetyltransferase 2; plus strand). Cytogenetic location: 8p21.1.
Variant type: Deletion.
Identifiers: ClinVar variation 2423471 (VCV002423471.4).